The following is an entry in ClinVar:

ClinVar aggregate classification (germline): Likely benign (1 of 4 stars; one submission).

Allele frequency attached by ClinVar (database versions not stated): gnomAD exomes 0.00001; ESP Exome Variant Server 0.00009; TOPMed 0.00001; ExAC 0.00003.
gnomAD v4.1: 4 of 1,205,206 alleles (0.00033%); highest among the groups gnomAD compares: Non-Finnish European, 0.00045%; no homozygotes.

Submission:

GeneDx
Classification: Likely benign. Last evaluated: 2015-10-02. Review status: criteria provided, single submitter. Criteria: GeneDx Variant Classification (06012015). Collection method: clinical testing. Allele origin: germline. Affected: yes.
Comment: This variant is considered likely benign or benign based on one or more of the following criteria: it is a conservative change, it occurs at a poorly conserved position in the protein, it is predicted to be benign by multiple in silico algorithms, and/or has population frequency not consistent with disease.

NM_018684.4(ZC4H2):c.54-10C>T

Gene: ZC4H2 (zinc finger C4H2-type containing; minus strand). Cytogenetic location: Xq11.2.
Variant type: single nucleotide variant.
Coding change: c.54-10C>T on transcript NM_018684.4 (MANE Select); 10 bases into the intron before coding-DNA position 54, C replaced by T.
Molecular consequence: intron variant. On other transcripts: 5 prime UTR variant (1), non-coding transcript variant (1).
Genome position (GRCh38, 1-based): chrX:64,921,998, G>A on the plus strand (C>T on the coding strand, the complement: ZC4H2 is on the minus strand). VCF-style: chrX-64921998-G-A. GRCh37 (hg19) VCF-style: chrX-64141878-G-A.
Other names: c.-26C>T (NM_001178032.3); c.-16-10C>T (NM_001243804.2); c.54-10C>T (NM_001178033.3).
Identifiers: ClinVar variation 380741 (VCV000380741.1), dbSNP rs374628579, ClinGen allele CA10433491.
Genomic context (GRCh38, chrX:64,921,998, plus strand): 5'-AACTCAGCCTTCAAACGAGCCTTGATCTTCTCCATCTGCAGGGTCTTGTTCCTGCAATTT[G>A]CAAAAAGCAGGAAACAGGCCAGCAAAAGAAGGGAGAAAATAGAAATGGAGCCAGGACTTT-3'